The following is an entry in ClinVar:

ClinVar aggregate classification (germline): Pathogenic. Review status: criteria provided, multiple submitters, no conflicts (2 of 4 stars). 2 submissions from 2 submitters: Pathogenic (2). Last evaluated 2025-06-24.

Conditions:
Duchenne muscular dystrophy (DMD). Also called: Duchenne Muscular Dystrophy (DMD); MUSCULAR DYSTROPHY, PSEUDOHYPERTROPHIC PROGRESSIVE, DUCHENNE TYPE. Identifiers: Orphanet 98896, MedGen C0013264, MONDO:0010679, OMIM 310200.

Submissions (2):

GeneDx
Classification: Pathogenic. Last evaluated: 2025-06-24. Review status: criteria provided, single submitter. Criteria: GeneDx Variant Classification Process June 2021. Collection method: clinical testing. Allele origin: germline. Affected: yes.
Comment: Intronic variant directly or indirectly altering the +5 splice site in a gene for which loss of function is a known mechanism of disease, and splice predictors support a deleterious effect; Not observed in large population cohorts (gnomAD); This variant is associated with the following publications: (PMID: 34355126, 31443951)

Labcorp Genetics (formerly Invitae), Labcorp
Classification: Pathogenic for Duchenne muscular dystrophy. Last evaluated: 2024-02-18. Review status: criteria provided, single submitter. Criteria: Invitae Variant Classification Sherloc (09022015). Collection method: clinical testing. Allele origin: germline.
Comment: This sequence change falls in intron 66 of the DMD gene. It does not directly change the encoded amino acid sequence of the DMD protein. It affects a nucleotide within the consensus splice site. This variant is not present in population databases (gnomAD no frequency). This variant has been observed in individual(s) with Duchenne muscular dystrophy (PMID: 31443951). In at least one individual the variant was observed to be de novo. ClinVar contains an entry for this variant (Variation ID: 2419193). Variants that disrupt the consensus splice site are a relatively common cause of aberrant splicing (PMID: 17576681, 9536098). Algorithms developed to predict the effect of sequence changes on RNA splicing suggest that this variant may disrupt the consensus splice site. For these reasons, this variant has been classified as Pathogenic.

Literature cited by the submitters: PubMed 31443951 (cited by Labcorp Genetics (formerly Invitae), Labcorp); PubMed 17576681 (cited by Labcorp Genetics (formerly Invitae), Labcorp); PubMed 9536098 (cited by Labcorp Genetics (formerly Invitae), Labcorp).

NM_004006.3(DMD):c.9649+5G>A

Gene: DMD (dystrophin; minus strand). Cytogenetic location: Xp21.2.
Variant type: single nucleotide variant.
Coding change: c.9649+5G>A on transcript NM_004006.3 (MANE Select); 5 bases into the intron after coding-DNA position 9649, G replaced by A.
Molecular consequence: intron variant.
Genome position (GRCh38, 1-based): chrX:31,206,577, C>T on the plus strand (G>A on the coding strand, the complement: DMD is on the minus strand). VCF-style: chrX-31206577-C-T. GRCh37 (hg19) VCF-style: chrX-31224694-C-T.
Other names: c.9625+5G>A (NM_000109.4); c.5626+5G>A (NM_004011.4); c.5617+5G>A (NM_004012.4); c.2269+5G>A (NM_004023.3, NM_004020.4, NM_004022.3 and 2 more transcripts); c.1462+5G>A (NM_004014.3); c.445+5G>A (NM_004018.3, NM_004017.3, NM_004016.3 and 2 more transcripts); c.9637+5G>A (NM_004009.3); c.9280+5G>A (NM_004010.3).
Identifiers: ClinVar variation 2419193 (VCV002419193.8), dbSNP rs1602695527, ClinGen allele CA2580100563.